The following is an entry in ClinVar:

ClinVar aggregate classification (germline): Benign/Likely benign. Review status: criteria provided, multiple submitters, no conflicts (2 of 4 stars). 6 submissions from 6 submitters: Benign (4); Likely benign (2). Last evaluated 2026-02-04.

Conditions:
Congenital factor V deficiency. Also called: LABILE FACTOR DEFICIENCY; OWREN PARAHEMOPHILIA; PARAHEMOPHILIA; Hereditary factor V deficiency disease. Identifiers: Orphanet 326, MedGen C0015499, MONDO:0009210, OMIM 227400.
Thrombophilia due to activated protein C resistance (THPH2). Also called: PCCF DEFICIENCY; PROC COFACTOR DEFICIENCY; THROMBOPHILIA DUE TO DEFICIENCY OF ACTIVATED PROTEIN C COFACTOR; THROMBOPHILIA V; APC resistance; Activated protein C resistance. Identifiers: MedGen C1861171, MONDO:0008560, OMIM 188055. Disease mechanism: loss of function, gain of function.

Allele frequency attached by ClinVar (database versions not stated): 1000 Genomes Project 0.08307; 1000 Genomes Project 30x 0.08463; ExAC 0.08624; gnomAD 0.08631 and 0.08632; gnomAD exomes 0.08768; TOPMed 0.08768; ESP Exome Variant Server 0.08781.
gnomAD v4.1: 135,297 of 1,613,148 alleles (8.4%); highest among the groups gnomAD compares: South Asian, 10%; 5,881 homozygotes.

Submissions (6):

Labcorp Genetics (formerly Invitae), Labcorp
Classification: Benign for Congenital factor V deficiency. Last evaluated: 2026-02-04. Review status: criteria provided, single submitter. Criteria: Invitae Variant Classification Sherloc (09022015). Collection method: clinical testing. Allele origin: germline.

GeneDx
Classification: Benign. Last evaluated: 2018-11-12. Review status: criteria provided, single submitter. Criteria: GeneDx Variant Classification Process June 2021. Collection method: clinical testing. Allele origin: germline. Affected: yes.
Comment: This variant is associated with the following publications: (PMID: 27884173, 16542711, 20981092)

Illumina Laboratory Services, Illumina
Classification: Likely benign for Thrombophilia due to activated protein C resistance. Last evaluated: 2017-04-27. Review status: criteria provided, single submitter. Criteria: ICSL Variant Classification Criteria 13 December 2019. Collection method: clinical testing. Allele origin: germline.
Comment: This variant was observed as part of a predisposition screen in an ostensibly healthy population. A literature search was performed for the gene, cDNA change, and amino acid change (where applicable). No publications were found based on this search. Allele frequency data from public databases allowed determination this variant is unlikely to cause disease. Therefore, this variant is classified as likely benign.

CeGaT Center for Human Genetics Tuebingen
Classification: Likely benign. Last evaluated: 2017-02-01. Review status: criteria provided, single submitter. Criteria: CeGaT Center For Human Genetics Tuebingen Variant Classification Criteria Version 2. Collection method: clinical testing. Allele origin: germline. Affected: yes. Observed: 1 variant allele.

Mayo Clinic Laboratories, Mayo Clinic
Classification: Benign. Last evaluated: 2016-05-26. Review status: criteria provided, single submitter. Criteria: ACMG Guidelines, 2015. Collection method: clinical testing. Allele origin: germline. Observed: 31 variant alleles.

PreventionGenetics, part of Exact Sciences
Classification: Benign. Review status: criteria provided, single submitter. Criteria: ACMG Guidelines, 2015. Collection method: clinical testing. Allele origin: germline.

NM_000130.5(F5):c.1242A>G (p.Lys414=)

Gene: F5 (coagulation factor V; minus strand). Cytogenetic location: 1q24.2.
Variant type: single nucleotide variant.
Coding change: c.1242A>G on transcript NM_000130.5 (MANE Select); coding-DNA position 1242, A replaced by G.
Protein change: p.Lys414=; no amino-acid change (lysine 414 retained).
Molecular consequence: synonymous variant.
Genome position (GRCh38, 1-based): chr1:169,552,611, T>C on the plus strand (A>G on the coding strand, the complement: F5 is on the minus strand). VCF-style: chr1-169552611-T-C. GRCh37 (hg19) VCF-style: chr1-169521849-T-C.
Other names: p.Lys414=.
Identifiers: ClinVar variation 255189 (VCV000255189.55), dbSNP rs6035, ClinGen allele CA1234385.